The following is an entry in ClinVar:

NM_198576.4(AGRN):c.5012G>A (p.Arg1671Gln)

Gene: AGRN (agrin; plus strand). Cytogenetic location: 1p36.33.
Variant type: single nucleotide variant.
Coding change: c.5012G>A on transcript NM_198576.4 (MANE Select); coding-DNA position 5012, G replaced by A.
Protein change: p.Arg1671Gln; replaces arginine 1671 with glutamine.
Molecular consequence: missense variant.
Genome position (GRCh38, 1-based): chr1:1,050,462, G>A. VCF-style: chr1-1050462-G-A. GRCh37 (hg19) VCF-style: chr1-985842-G-A.
Other names: c.5012G>A, p.Arg1671Gln (NM_001305275.2); c.4697G>A, p.Arg1566Gln (NM_001364727.2); c.5012G>A (NM_198576.3); short protein forms R1566Q, R1671Q.
Identifiers: ClinVar variation 1356678 (VCV001356678.11), dbSNP rs769667244, ClinGen allele CA509822.

ClinVar aggregate classification (germline): Likely pathogenic. Review status: criteria provided, multiple submitters, no conflicts (2 of 4 stars). 5 submissions from 5 submitters: Likely pathogenic (4). 1 of the submissions does not count toward it. Last evaluated 2025-11-15.

Conditions:
Inborn genetic diseases. Identifiers: MedGen C0950123, MeSH D030342.
Congenital myasthenic syndrome 8. Also called: Myasthenic syndrome, congenital, 8, with pre- and postsynaptic defects; MYASTHENIC SYNDROME, CONGENITAL, DUE TO AGRIN DEFICIENCY. Identifiers: Orphanet 590, MedGen C3808739, MONDO:0014052, OMIM 615120.

Allele frequency attached by ClinVar (database versions not stated): gnomAD exomes 0.00001 and 0.00003; ExAC 0.00002; gnomAD 0.00002; TOPMed 0.00003.
gnomAD v4.1: 20 of 1,612,796 alleles (0.0012%); highest among the groups gnomAD compares: East Asian, 0.0022%; no homozygotes.

Submissions (5):

Labcorp Genetics (formerly Invitae), Labcorp
Classification: Likely pathogenic for Congenital myasthenic syndrome 8. Last evaluated: 2025-11-15. Review status: criteria provided, single submitter. Criteria: Invitae Variant Classification Sherloc (09022015). Collection method: clinical testing. Allele origin: germline.
Comment: This sequence change replaces arginine, which is basic and polar, with glutamine, which is neutral and polar, at codon 1671 of the AGRN protein (p.Arg1671Gln). This variant is present in population databases (rs769667244, gnomAD 0.01%). This missense change has been observed in individual(s) with AGRN-related conditions (PMID: 35948834; internal data). In at least one individual the data is consistent with being in trans (on the opposite chromosome) from a pathogenic variant. ClinVar contains an entry for this variant (Variation ID: 1356678). An algorithm developed to predict the effect of missense changes on protein structure and function (PolyPhen-2) suggests that this variant is likely to be tolerated. Experimental studies have shown that this missense change affects AGRN function (PMID: 35948834). In summary, the currently available evidence indicates that the variant is pathogenic, but additional data are needed to prove that conclusively. Therefore, this variant has been classified as Likely Pathogenic.

Genomic Medicine Center of Excellence, King Faisal Specialist Hospital and Research Centre
Classification: Likely pathogenic for Congenital myasthenic syndrome 8. Last evaluated: 2025-09-10. Review status: criteria provided, single submitter. Criteria: ACMG Guidelines, 2015. Collection method: clinical testing. Allele origin: germline.

Variantyx, Inc.
Classification: Likely pathogenic for Congenital myasthenic syndrome 8. Last evaluated: 2025-06-11. Review status: criteria provided, single submitter. Criteria: Variantyx Assertion Criteria 2022. Collection method: clinical testing. Allele origin: germline. Inheritance: Autosomal recessive inheritance.
Comment: This is a nonsynonymous variant in the AGRN gene (OMIM: 103320). Pathogenic variants in this gene have been associated with autosomal recessive congenital myasthenic syndrome 8, with pre- and postsynaptic defects. Functional studies have shown that this variant alters AGRN protein function (PMID: 35948834) (PS3). This variant lies within a known hotspot for pathogenic variants or a well-established critical functional domain of the AGRN protein (PMID: 35948834, 29258548, 16219760) (PM1). This variant has a 0.0022% maximum allele frequency in non-founder control populations (PM2). Based on the current evidence, this variant is classified as likely pathogenic for autosomal recessive congenital myasthenic syndrome 8, with pre- and postsynaptic defects.

First Genomix Gene Laboratory, Genetic Diagnostics Department
Classification: Likely pathogenic for Congenital myasthenic syndrome 8. Last evaluated: 2025-05-28. Review status: criteria provided, single submitter. Criteria: ACMG Guidelines, 2015. Collection method: clinical testing. Allele origin: germline. Inheritance: Autosomal recessive inheritance. Affected: no. Observed: 1 variant allele.

Ambry Genetics
Classification: Uncertain significance for Inborn genetic diseases. Last evaluated: 2021-08-02. Review status: flagged submission. Criteria: Ambry Variant Classification Scheme 2023. Collection method: clinical testing. Allele origin: germline. Not counted in ClinVar's aggregate classification.
ClinVar note: Reason: Outlier claim with insufficient supporting evidence

Literature cited by the submitters: PubMed 35948834 (cited by Labcorp Genetics (formerly Invitae), Labcorp and Variantyx, Inc.); PubMed 29258548 (cited by Variantyx, Inc.).